The following is an entry in ClinVar:

NM_003108.4(SOX11):c.191G>C (p.Arg64Pro)

Gene: SOX11 (SRY-box transcription factor 11; plus strand). Cytogenetic location: 2p25.2.
Variant type: single nucleotide variant.
Coding change: c.191G>C on transcript NM_003108.4 (MANE Select); coding-DNA position 191, G replaced by C.
Protein change: p.Arg64Pro; replaces arginine 64 with proline.
Molecular consequence: missense variant.
Genome position (GRCh38, 1-based): chr2:5,692,912, G>C. VCF-style: chr2-5692912-G-C. GRCh37 (hg19) VCF-style: chr2-5833044-G-C.
Other names: short protein forms R64P.
Identifiers: ClinVar variation 2430907 (VCV002430907.2), dbSNP rs2103276364, ClinGen allele CA345866146.
Genomic context (GRCh38, chr2:5,692,912, plus strand): 5'-CGGCGTCGGGCCACATCAAGCGGCCGATGAACGCGTTCATGGTATGGTCCAAGATCGAAC[G>C]CAGGAAGATCATGGAGCAGTCTCCGGACATGCACAACGCCGAGATCTCCAAGAGGCTGGG-3'
Protein context (NP_003099.1, residues 54-74): NAFMVWSKIE[Arg64Pro]RKIMEQSPDM

ClinVar aggregate classification (germline): Likely pathogenic. Review status: criteria provided, multiple submitters, no conflicts (2 of 4 stars). 2 submissions from 2 submitters: Likely pathogenic (2). Last evaluated 2023-03-09.

Conditions:
Intellectual developmental disorder with microcephaly and with or without ocular malformations or hypogonadotropic hypogonadism. Also called: Intellectual disability, autosomal dominant 27; Coffin-Siris Syndrome 9. Identifiers: Orphanet 1465, MedGen C4014528, MONDO:0014376, OMIM 615866.

Submissions (2):

SIB Swiss Institute of Bioinformatics
Classification: Likely pathogenic for Intellectual developmental disorder with microcephaly and with or without ocular malformations or hypogonadotropic hypogonadism. Last evaluated: 2023-03-09. Review status: criteria provided, single submitter. Criteria: ACMG Guidelines, 2015. Collection method: curation. Allele origin: unknown.
Comment: This variant is interpreted as likely pathogenic for Intellectual developmental disorder with microcephaly and with or without ocular malformations or hypogonadotropic hypogonadism, autosomal dominant. The following ACMG Tag(s) were applied: Absent from controls (or at extremely low frequency if recessive) in Exome Sequencing Project, 1000 Genomes Project, or Exome Aggregation Consortium (PM2); De novo paternity and maternity not confirmed (PM6); Located in a mutational hot spot and/or critical and well-established functional domain (e.g., active site of an enzyme) without benign variation (PM1); Novel missense change at an amino acid residue where a different missense change determined to be pathogenic has been seen before (PM5); Multiple lines of computational evidence support a deleterious effect on the gene or gene product (PP3).

GeneDx
Classification: Likely pathogenic. Last evaluated: 2022-01-04. Review status: criteria provided, single submitter. Criteria: GeneDx Variant Classification Process June 2021. Collection method: clinical testing. Allele origin: germline. Affected: yes.
Comment: Has not been previously published as pathogenic or benign to our knowledge; Not observed at significant frequency in large population cohorts (gnomAD); In silico analysis supports that this missense variant has a deleterious effect on protein structure/function; This variant is associated with the following publications: (PMID: 35341651)

Literature cited by the submitters: PubMed 35341651 (cited by SIB Swiss Institute of Bioinformatics).